The following is an entry in ClinVar:

NM_001386795.1(DTNA):c.1637G>T (p.Arg546Leu)

Gene: DTNA (dystrobrevin alpha; plus strand). Cytogenetic location: 18q12.1.
Variant type: single nucleotide variant.
Coding change: c.1637G>T on transcript NM_001386795.1 (MANE Select); coding-DNA position 1637, G replaced by T.
Protein change: p.Arg546Leu; replaces arginine 546 with leucine.
Molecular consequence: missense variant.
Genome position (GRCh38, 1-based): chr18:34,858,389, G>T. VCF-style: chr18-34858389-G-T. GRCh37 (hg19) VCF-style: chr18-32438353-G-T.
Other names: c.806G>T, p.Arg269Leu (NM_001198945.2); c.1376G>T, p.Arg459Leu (NM_001386753.1, NM_001386763.1, NM_001386764.1 and 9 more transcripts); c.1466G>T, p.Arg489Leu (NM_001386754.1, NM_001386755.1, NM_001386756.1 and 4 more transcripts); c.1463G>T, p.Arg488Leu (NM_001386760.1); c.1385G>T, p.Arg462Leu (NM_001386761.1, NM_032975.4, NM_032979.5); c.1382G>T, p.Arg461Leu (NM_001386762.1); c.1373G>T, p.Arg458Leu (NM_001386768.1, NM_001386769.1, NM_001386773.1 and 1 more transcripts); c.1547G>T, p.Arg516Leu (NM_032978.7); and 7 more; short protein forms R167L, R459L, R489L, R141L, R171L, R228L, R269L, R462L.
Identifiers: ClinVar variation 1491090 (VCV001491090.8), dbSNP rs773504046, ClinGen allele CA402175704.
Genomic context (GRCh38, chr18:34,858,389, plus strand): 5'-AAGCTTCTCAGCCCACGCCAGAGAAGGCACAGCAAAACCCCACCCTGCTGGCAGAACTCC[G>T]GCTCCTCAGGTAGGAGAGAGCACCCATGTCATCTCAGGGAATATATATGTGTCAGATCTT-3'
Protein context (NP_001373724.1, residues 536-556): QQNPTLLAEL[Arg546Leu]LLRQRKDELE

ClinVar aggregate classification (germline): Uncertain significance (1 of 4 stars; one submission).

Conditions:
Left ventricular noncompaction 1 (LVNC1). Also called: LEFT VENTRICULAR NONCOMPACTION 1 WITH OR WITHOUT CONGENITAL HEART DEFECTS. Identifiers: Orphanet 54260, MedGen C1858725, MONDO:0011403, OMIM 604169.

gnomAD v4.1: 1 of 1,613,980 alleles (0.000062%); highest among the groups gnomAD compares: Admixed American, 0.0017%; no homozygotes.

Submission:

Labcorp Genetics (formerly Invitae), Labcorp
Classification: Uncertain significance for Left ventricular noncompaction 1. Last evaluated: 2024-10-18. Review status: criteria provided, single submitter. Criteria: Invitae Variant Classification Sherloc (09022015). Collection method: clinical testing. Allele origin: germline.
Comment: This sequence change replaces arginine, which is basic and polar, with leucine, which is neutral and non-polar, at codon 519 of the DTNA protein (p.Arg519Leu). This variant is not present in population databases (gnomAD no frequency). This variant has not been reported in the literature in individuals affected with DTNA-related conditions. ClinVar contains an entry for this variant (Variation ID: 1491090). An algorithm developed to predict the effect of missense changes on protein structure and function (PolyPhen-2) suggests that this variant is likely to be disruptive. In summary, the available evidence is currently insufficient to determine the role of this variant in disease. Therefore, it has been classified as a Variant of Uncertain Significance.